The following is an entry in ClinVar:

NM_001369.3(DNAH5):c.10712CTA[1] (p.Thr3572del)

Gene: DNAH5 (dynein axonemal heavy chain 5; minus strand). Cytogenetic location: 5p15.2.
Variant type: Microsatellite.
Coding change: c.10712CTA[1] on transcript NM_001369.3 (MANE Select); one copy of the 3-base unit CTA starting at c.10712; the reference has two copies in a row; one copy, 3 bases deleted; also written c.10715_10717del.
Protein change: p.Thr3572del; deletes threonine 3572.
Molecular consequence: inframe deletion.
Genome position (GRCh38, 1-based): chr5:13,753,388-13,753,390, TAG deleted on the plus strand (CTA on the coding strand, the reverse complement: DNAH5 is on the minus strand); deleting any 3 consecutive bases within chr5:13,753,388-13,753,393 gives the same sequence; the position shown is the placement nearest the transcript's 3' end. VCF-style (leftmost placement, unchanged base first): chr5-13753387-ATAG-A. GRCh37 (hg19) VCF-style: chr5-13753496-ATAG-A.
Other names: c.10715_10717delCTA (NM_001369.2); c.10715_10717del (NM_001369.2, NM_001369.3); short protein forms T3572del.
Identifiers: ClinVar variation 454726 (VCV000454726.15), dbSNP rs773869600, ClinGen allele CA3202150.

ClinVar aggregate classification (germline): Uncertain significance. Review status: criteria provided, multiple submitters, no conflicts (2 of 4 stars). 4 submissions from 4 submitters: Uncertain significance (3). 1 of the submissions does not count toward it. Last evaluated 2022-05-19.

Conditions:
Primary ciliary dyskinesia 3. Identifiers: Orphanet 244, MedGen C1837618, MONDO:0012085, OMIM 608644.
Primary ciliary dyskinesia. Also called: Ciliary dyskinesia. Identifiers: Orphanet 244, MedGen C0008780, MONDO:0016575, HP:0012265.

Submissions (4):

Revvity Omics, Revvity
Classification: Uncertain significance for Primary ciliary dyskinesia 3. Last evaluated: 2022-05-19. Review status: criteria provided, single submitter. Criteria: ACMG Guidelines, 2015. Collection method: clinical testing. Allele origin: germline.

Labcorp Genetics (formerly Invitae), Labcorp
Classification: Uncertain significance for Primary ciliary dyskinesia. Last evaluated: 2021-09-01. Review status: criteria provided, single submitter. Criteria: Invitae Variant Classification Sherloc (09022015). Collection method: clinical testing. Allele origin: germline.
Comment: This variant, c.10715_10717del, results in the deletion of 1 amino acid(s) of the DNAH5 protein (p.Thr3572del), but otherwise preserves the integrity of the reading frame. This variant is present in population databases (rs773869600, ExAC 0.004%). This variant has not been reported in the literature in individuals affected with DNAH5-related conditions. Experimental studies and prediction algorithms are not available or were not evaluated, and the functional significance of this variant is currently unknown. In summary, the available evidence is currently insufficient to determine the role of this variant in disease. Therefore, it has been classified as a Variant of Uncertain Significance.

Ambry Genetics
Classification: Uncertain significance for Primary ciliary dyskinesia. Last evaluated: 2018-04-23. Review status: criteria provided, single submitter. Criteria: Ambry Variant Classification Scheme 2023. Collection method: clinical testing. Allele origin: germline.
Comment: The c.10715_10717delCTA variant (also known as p.T3572del) is located in coding exon 63 of the DNAH5 gene. This variant results from an in-frame CTA deletion at nucleotide positions 10715 to 10717. This results in the in-frame deletion of a threonine at codon 3572. This amino acid position is highly conserved in available vertebrate species. Since supporting evidence is limited at this time, the clinical significance of this alteration remains unclear.

Natera, Inc.
Classification: Uncertain significance for Primary ciliary dyskinesia. Last evaluated: 2019-10-28. Review status: no assertion criteria provided. Collection method: clinical testing. Allele origin: germline. Not counted in ClinVar's aggregate classification.